The following is an entry in ClinVar:

ClinVar aggregate classification (germline): Uncertain significance (1 of 4 stars; one submission).

Submission:

GeneDx
Classification: Uncertain significance. Last evaluated: 2026-02-10. Review status: criteria provided, single submitter. Criteria: GeneDx Variant Classification Process June 2021. Collection method: clinical testing. Allele origin: germline.
Comment: Not observed at significant frequency in large population cohorts (gnomAD); In silico analysis supports a deleterious effect on splicing; In silico analysis suggests that this missense variant does not alter protein structure/function; Has not been previously published as pathogenic or benign to our knowledge

NM_001379291.1(BRD4):c.3783G>C (p.Arg1261Ser)

Gene: BRD4 (bromodomain containing 4; minus strand). Cytogenetic location: 19p13.12.
Variant type: single nucleotide variant.
Coding change: c.3783G>C on transcript NM_001379291.1 (MANE Select); coding-DNA position 3783, G replaced by C.
Protein change: p.Arg1261Ser; replaces arginine 1261 with serine.
Molecular consequence: missense variant.
Genome position (GRCh38, 1-based): chr19:15,238,980, C>G on the plus strand (G>C on the coding strand, the complement: BRD4 is on the minus strand). VCF-style: chr19-15238980-C-G. GRCh37 (hg19) VCF-style: chr19-15349791-C-G.
Other names: c.3783G>C, p.Arg1261Ser (NM_058243.3); short protein forms R1261S.
Identifiers: ClinVar variation 4976593 (VCV004976593.1).